The following is an entry in ClinVar:

NM_024675.4(PALB2):c.3201+1G>A

Gene: PALB2 (partner and localizer of BRCA2; minus strand). Cytogenetic location: 16p12.2.
Variant type: single nucleotide variant.
Coding change: c.3201+1G>A on transcript NM_024675.4 (MANE Select); the canonical splice donor site of the intron after coding-DNA position 3201, G replaced by A.
Molecular consequence: splice donor variant. On other transcripts: intron variant (3).
Genome position (GRCh38, 1-based): chr16:23,614,003, C>T on the plus strand (G>A on the coding strand, the complement: PALB2 is on the minus strand). VCF-style: chr16-23614003-C-T. GRCh37 (hg19) VCF-style: chr16-23625324-C-T.
Other names: c.2228+7359G>A (NM_001407308.1, NM_001407309.1); c.2316+1G>A (NM_001407306.1, NM_001407311.1, NM_001407305.1 and 2 more transcripts); c.735+1G>A (NM_001407314.1); c.1413+1G>A (NM_001407313.1, NM_001407312.1); c.3141+1G>A (NM_001407296.1); c.3129+1G>A (NM_001407297.1); c.3039+1G>A (NM_001407302.1, NM_001407298.1); c.2922+1G>A (NM_001407300.1); and 3 more.
Identifiers: ClinVar variation 2673833 (VCV002673833.5), dbSNP rs587776423, ClinGen allele CA395141079.

ClinVar aggregate classification (germline): Pathogenic/Likely pathogenic. Review status: criteria provided, multiple submitters, no conflicts (2 of 4 stars). 3 submissions from 3 submitters: Pathogenic (1); Likely pathogenic (2). Last evaluated 2026-06-26.

Conditions:
Hereditary cancer-predisposing syndrome. Also called: Hereditary neoplastic syndrome; Hereditary Cancer Syndrome; Neoplastic Syndromes, Hereditary; Tumor predisposition. Identifiers: Orphanet 140162, MedGen C0027672, MeSH D009386, MONDO:0015356.
Familial cancer of breast. Also called: BREAST CANCER, FAMILIAL; hereditary breast carcinoma; Hereditary breast cancer. Identifiers: Orphanet 227535, MedGen C0346153, MONDO:0016419, OMIM 114480. Disease mechanism: loss of function.

Submissions (3):

Ambry Genetics
Classification: Likely pathogenic for Hereditary cancer-predisposing syndrome. Last evaluated: 2026-06-26. Review status: criteria provided, single submitter. Criteria: Ambry Variant Classification Scheme 2023. Collection method: clinical testing. Allele origin: germline.
Comment: The c.3201+1G>A intronic variant results from a G to A substitution one nucleotide after coding exon 11 of the PALB2 gene. This variant is considered to be rare based on population cohorts in the Genome Aggregation Database (gnomAD). This nucleotide position is highly conserved in available vertebrate species. In silico splice site analysis predicts that this alteration will weaken the native splice donor site; however, direct evidence is insufficient at this time (Ambry internal data). However, external RNA studies have demonstrated that this variant results in abnormal splicing in the set of samples tested (Valenzuela-Palomo A et al. J Pathol, 2022 Mar;256:321-334). Alterations that disrupt the canonical splice site are expected to cause aberrant splicing, resulting in an abnormal protein or a transcript that is subject to nonsense-mediated mRNA decay. As such, this alteration is classified as likely pathogenic.

Labcorp Genetics (formerly Invitae), Labcorp
Classification: Pathogenic for Familial cancer of breast. Last evaluated: 2024-06-16. Review status: criteria provided, single submitter. Criteria: Invitae Variant Classification Sherloc (09022015). Collection method: clinical testing. Allele origin: germline.
Comment: This sequence change affects a donor splice site in intron 11 of the PALB2 gene. RNA analysis indicates that disruption of this splice site induces altered splicing and may result in an absent or disrupted protein product. This variant is not present in population databases (gnomAD no frequency). Disruption of this splice site has been observed in individual(s) with clinical features of PALB2-related conditions (PMID: 22241545, 25099575, 28888541, 34846068). Studies have shown that disruption of this splice site alters mRNA splicing and is expected to lead to the loss of protein expression (PMID: 34846068; Invitae). For these reasons, this variant has been classified as Pathogenic.

Myriad Genetics, Inc.
Classification: Likely pathogenic for Familial cancer of breast. Last evaluated: 2023-09-14. Review status: criteria provided, single submitter. Criteria: Myriad Autosomal Dominant, Autosomal Recessive and X-Linked Classification Criteria (2023). Collection method: clinical testing. Allele origin: unknown.
Comment: This variant is considered likely pathogenic. This variant occurs within a consensus splice junction and is predicted to result in abnormal mRNA splicing of either an out-of-frame exon or an in-frame exon necessary for protein stability and/or normal function.

Literature cited by the submitters: PubMed 34846068 (cited by Ambry Genetics and Labcorp Genetics (formerly Invitae), Labcorp); PubMed 22241545 (cited by Labcorp Genetics (formerly Invitae), Labcorp); PubMed 25099575 (cited by Labcorp Genetics (formerly Invitae), Labcorp); PubMed 28888541 (cited by Labcorp Genetics (formerly Invitae), Labcorp).